The following is an entry in ClinVar:

ClinVar aggregate classification (germline): Pathogenic (3 of 4 stars; one submission).

Conditions:
Breast-ovarian cancer, familial, susceptibility to, 2 (BROVCA2). Also called: BRCA2 Hereditary Breast and Ovarian Cancer. Identifiers: Orphanet 145, MedGen C2675520, MONDO:0012933, OMIM 612555. Disease mechanism: loss of function.

Submission:

Evidence-based Network for the Interpretation of Germline Mutant Alleles (ENIGMA)
Classification: Pathogenic for Breast-ovarian cancer, familial, susceptibility to, 2. Last evaluated: 2017-12-15. Review status: reviewed by expert panel. Criteria: ENIGMA BRCA1/2 Classification Criteria (2017-06-29). Collection method: curation. Allele origin: germline. Study: ENIGMA.
Comment: Variant allele predicted to encode a truncated non-functional protein.

NM_000059.4(BRCA2):c.2757_2758insATGG (p.Pro920fs)

Gene: BRCA2 (BRCA2 DNA repair associated; plus strand). Cytogenetic location: 13q13.1.
Variant type: Insertion.
Coding change: c.2757_2758insATGG on transcript NM_000059.4 (MANE Select); coding-DNA positions 2757 to 2758, ATGG inserted.
Protein change: p.Pro920fs; shifts the reading frame from proline 920.
Molecular consequence: frameshift variant.
Genome position: GRCh38 VCF-style: chr13-32337112-A-AATGG. GRCh37 (hg19) VCF-style: chr13-32911249-A-AATGG.
Other names: short protein forms P920fs.
Identifiers: ClinVar variation 548336 (VCV000548336.1), dbSNP rs1555282834, ClinGen allele CA658823637.